The following is an entry in ClinVar:

NM_006767.4(LZTR1):c.2517C>G (p.Asp839Glu)

Gene: LZTR1 (leucine zipper like post translational regulator 1; plus strand). Cytogenetic location: 22q11.21.
Variant type: single nucleotide variant.
Coding change: c.2517C>G on transcript NM_006767.4 (MANE Select); coding-DNA position 2517, C replaced by G.
Protein change: p.Asp839Glu; replaces aspartic acid 839 with glutamic acid.
Molecular consequence: missense variant.
Genome position (GRCh38, 1-based): chr22:20,997,342, C>G. VCF-style: chr22-20997342-C-G. GRCh37 (hg19) VCF-style: chr22-21351631-C-G.
Other names: short protein forms D839E.
Identifiers: ClinVar variation 1792471 (VCV001792471.8), dbSNP rs1192970319, ClinGen allele CA410782019.

ClinVar aggregate classification (germline): Uncertain significance. Review status: criteria provided, multiple submitters, no conflicts (2 of 4 stars). 2 submissions from 2 submitters: Uncertain significance (2). Last evaluated 2025-04-07.

Conditions:
Hereditary cancer-predisposing syndrome. Also called: Hereditary Cancer Syndrome; Hereditary neoplastic syndrome; Tumor predisposition; Neoplastic Syndromes, Hereditary. Identifiers: Orphanet 140162, MedGen C0027672, MeSH D009386, MONDO:0015356.
Cardiovascular phenotype. Identifiers: MedGen CN230736.

gnomAD v4.1: 1 of 1,610,096 alleles (0.000062%); highest among the groups gnomAD compares: African/African-American, 0.0013%; no homozygotes.

Submissions (2):

Ambry Genetics
Classification: Uncertain significance for Cardiovascular phenotype; Hereditary cancer-predisposing syndrome. Last evaluated: 2025-04-07. Review status: criteria provided, single submitter. Criteria: Ambry Variant Classification Scheme 2023. Collection method: clinical testing. Allele origin: germline.
Comment: The p.D839E variant (also known as c.2517C>G), located in coding exon 21 of the LZTR1 gene, results from a C to G substitution at nucleotide position 2517. The aspartic acid at codon 839 is replaced by glutamic acid, an amino acid with highly similar properties. This amino acid position is highly conserved in available vertebrate species. In addition, this alteration is predicted to be tolerated by in silico analysis. Based on the available evidence, the clinical significance of this variant remains unclear.

Labcorp Genetics (formerly Invitae), Labcorp
Classification: Uncertain significance. Last evaluated: 2023-04-24. Review status: criteria provided, single submitter. Criteria: Invitae Variant Classification Sherloc (09022015). Collection method: clinical testing. Allele origin: germline.
Comment: In summary, the available evidence is currently insufficient to determine the role of this variant in disease. Therefore, it has been classified as a Variant of Uncertain Significance. Advanced modeling of protein sequence and biophysical properties (such as structural, functional, and spatial information, amino acid conservation, physicochemical variation, residue mobility, and thermodynamic stability) performed at Invitae indicates that this missense variant is not expected to disrupt LZTR1 protein function. ClinVar contains an entry for this variant (Variation ID: 1792471). This variant has not been reported in the literature in individuals affected with LZTR1-related conditions. This variant is not present in population databases (gnomAD no frequency). This sequence change replaces aspartic acid, which is acidic and polar, with glutamic acid, which is acidic and polar, at codon 839 of the LZTR1 protein (p.Asp839Glu).